The following is an entry in ClinVar:

ClinVar aggregate classification (germline): Uncertain significance (1 of 4 stars; one submission).

Conditions:
Fanconi anemia (FA). Also called: Fanconi's anemia. Identifiers: Orphanet 84, MedGen C0015625, MeSH D005199, MONDO:0019391.

Submission:

Labcorp Genetics (formerly Invitae), Labcorp
Classification: Uncertain significance for Fanconi anemia. Last evaluated: 2025-12-03. Review status: criteria provided, single submitter. Criteria: Invitae Variant Classification Sherloc (09022015). Collection method: clinical testing. Allele origin: germline.
Comment: This sequence change replaces glutamine, which is neutral and polar, with histidine, which is basic and polar, at codon 1885 of the FANCM protein (p.Gln1885His). This variant is not present in population databases (gnomAD no frequency). This variant has not been reported in the literature in individuals affected with FANCM-related conditions. An algorithm developed to predict the effect of missense changes on protein structure and function (PolyPhen-2) suggests that this variant is likely to be disruptive. In summary, the available evidence is currently insufficient to determine the role of this variant in disease. Therefore, it has been classified as a Variant of Uncertain Significance.

NM_020937.4(FANCM):c.5655G>C (p.Gln1885His)

Gene: FANCM (FA complementation group M; plus strand). Cytogenetic location: 14q21.2.
Variant type: single nucleotide variant.
Coding change: c.5655G>C on transcript NM_020937.4 (MANE Select); coding-DNA position 5655, G replaced by C.
Protein change: p.Gln1885His; replaces glutamine 1885 with histidine.
Molecular consequence: missense variant.
Genome position (GRCh38, 1-based): chr14:45,196,486, G>C. VCF-style: chr14-45196486-G-C. GRCh37 (hg19) VCF-style: chr14-45665689-G-C.
Other names: c.5577G>C, p.Gln1859His (NM_001308133.2); short protein forms Q1859H, Q1885H.
Identifiers: ClinVar variation 4701565 (VCV004701565.1).
Genomic context (GRCh38, chr14:45,196,486, plus strand): 5'-GAGGTCTCAATCTGAGATGTTAAATAGTGTCAATAAGAACAAGTTCATTGAGCAGATCCA[G>C]CACCTGCAGAGTATGTTTGAAAGAATATGTGTGATTGTGGAAAAGGACAGAGAAAAAACA-3'
Protein context (NP_065988.1, residues 1875-1895): VNKNKFIEQI[Gln1885His]HLQSMFERIC